The following is an entry in ClinVar:

ClinVar aggregate classification (germline): Uncertain significance (1 of 4 stars; one submission).

Conditions:
Familial hemiplegic migraine. Identifiers: MedGen C0338484, MONDO:0000700.

Submission:

Labcorp Genetics (formerly Invitae), Labcorp
Classification: Uncertain significance for Familial hemiplegic migraine. Last evaluated: 2023-12-27. Review status: criteria provided, single submitter. Criteria: Invitae Variant Classification Sherloc (09022015). Collection method: clinical testing. Allele origin: germline.
Comment: This sequence change replaces aspartic acid, which is acidic and polar, with asparagine, which is neutral and polar, at codon 68 of the ATP1A2 protein (p.Asp68Asn). This variant is not present in population databases (gnomAD no frequency). This variant has not been reported in the literature in individuals affected with ATP1A2-related conditions. Advanced modeling of protein sequence and biophysical properties (such as structural, functional, and spatial information, amino acid conservation, physicochemical variation, residue mobility, and thermodynamic stability) performed at Invitae indicates that this missense variant is not expected to disrupt ATP1A2 protein function with a negative predictive value of 80%. In summary, the available evidence is currently insufficient to determine the role of this variant in disease. Therefore, it has been classified as a Variant of Uncertain Significance.

NM_000702.4(ATP1A2):c.202G>A (p.Asp68Asn)

Gene: ATP1A2 (ATPase Na+/K+ transporting subunit alpha 2; plus strand). Cytogenetic location: 1q23.2.
Variant type: single nucleotide variant.
Coding change: c.202G>A on transcript NM_000702.4 (MANE Select); coding-DNA position 202, G replaced by A.
Protein change: p.Asp68Asn; replaces aspartic acid 68 with asparagine.
Molecular consequence: missense variant.
Genome position (GRCh38, 1-based): chr1:160,123,237, G>A. VCF-style: chr1-160123237-G-A. GRCh37 (hg19) VCF-style: chr1-160093027-G-A.
Other names: short protein forms D68N.
Identifiers: ClinVar variation 2705909 (VCV002705909.3), dbSNP rs1651476108, ClinGen allele CA343230418.